The following is an entry in ClinVar:

NM_001378454.1(ALMS1):c.8274A>G (p.Gln2758=)

Gene: ALMS1 (ALMS1 centrosome and basal body associated protein; plus strand). Cytogenetic location: 2p13.1.
Variant type: single nucleotide variant.
Coding change: c.8274A>G on transcript NM_001378454.1 (MANE Select); coding-DNA position 8274, A replaced by G.
Protein change: p.Gln2758=; no amino-acid change (glutamine 2758 retained).
Molecular consequence: synonymous variant.
Genome position (GRCh38, 1-based): chr2:73,490,233, A>G. VCF-style: chr2-73490233-A-G. GRCh37 (hg19) VCF-style: chr2-73717360-A-G.
Other names: c.8277A>G, p.Gln2759= (NM_015120.4).
Identifiers: ClinVar variation 459891 (VCV000459891.41), dbSNP rs181226362, ClinGen allele CA1714435.

ClinVar aggregate classification (germline): Benign/Likely benign. Review status: criteria provided, multiple submitters, no conflicts (2 of 4 stars). 6 submissions from 6 submitters: Benign (1); Likely benign (5). Last evaluated 2026-02-03.

Conditions:
Cardiovascular phenotype. Identifiers: MedGen CN230736.
Alstrom syndrome (ALMS). Identifiers: Orphanet 64, MedGen C0268425, MONDO:0008763, OMIM 203800.

Allele frequency attached by ClinVar (database versions not stated): gnomAD exomes 0.00012 and 0.00034; ExAC 0.00040; ESP Exome Variant Server 0.00076; 1000 Genomes Project 0.00120; gnomAD 0.00131 and 0.00143; 1000 Genomes Project 30x 0.00141; TOPMed 0.00150.
gnomAD v4.1: 380 of 1,614,138 alleles (0.024%); highest among the groups gnomAD compares: African/African-American, 0.44%; 1 homozygote.

Submissions (6):

Labcorp Genetics (formerly Invitae), Labcorp
Classification: Likely benign for Alstrom syndrome. Last evaluated: 2026-02-03. Review status: criteria provided, single submitter. Criteria: Invitae Variant Classification Sherloc (09022015). Collection method: clinical testing. Allele origin: germline.

Women's Health and Genetics/Laboratory Corporation of America, LabCorp
Classification: Likely benign. Last evaluated: 2024-09-29. Review status: criteria provided, single submitter. Criteria: LabCorp Variant Classification Summary - May 2015. Collection method: clinical testing. Allele origin: germline.

Blueprint Genetics
Classification: Likely benign. Last evaluated: 2024-09-04. Review status: criteria provided, single submitter. Criteria: ACMG Guidelines, 2015. Collection method: clinical testing. Allele origin: germline.

CeGaT Center for Human Genetics Tuebingen
Classification: Likely benign. Last evaluated: 2022-12-01. Review status: criteria provided, single submitter. Criteria: CeGaT Center For Human Genetics Tuebingen Variant Classification Criteria Version 2. Collection method: clinical testing. Allele origin: germline. Affected: yes. Observed: 1 variant allele.
Comment: ALMS1: BP4, BP7

GeneDx
Classification: Likely benign. Last evaluated: 2021-03-05. Review status: criteria provided, single submitter. Criteria: GeneDx Variant Classification Process June 2021. Collection method: clinical testing. Allele origin: germline. Affected: yes.

Ambry Genetics
Classification: Benign for Cardiovascular phenotype. Last evaluated: 2019-02-01. Review status: criteria provided, single submitter. Criteria: Ambry Variant Classification Scheme 2023. Collection method: clinical testing. Allele origin: germline.